The following is an entry in ClinVar:

NM_001164508.2(NEB):c.3384del (p.Asp1129fs)

Gene: NEB (nebulin; minus strand). Cytogenetic location: 2q23.3.
Variant type: Deletion.
Coding change: c.3384del on transcript NM_001164508.2 (MANE Select); coding-DNA position 3384, one base deleted (A; older notation c.3384delA).
Protein change: p.Asp1129fs; shifts the reading frame from aspartic acid 1129.
Molecular consequence: frameshift variant.
Genome position (GRCh38, 1-based): chr2:151,678,059, T deleted on the plus strand (A on the coding strand, the reverse complement: NEB is on the minus strand); the first of 6 consecutive T bases (chr2:151,678,059-151,678,064); deleting any one gives the same sequence. VCF-style (leftmost placement, unchanged base first): chr2-151678058-CT-C. GRCh37 (hg19) VCF-style: chr2-152534572-CT-C.
Other names: c.3384del, p.Asp1129fs (NM_001164507.2, NM_001271208.2, NM_004543.5); short protein forms D1129fs.
Identifiers: ClinVar variation 946170 (VCV000946170.11), dbSNP rs2099386045, ClinGen allele CA1037875638.

ClinVar aggregate classification (germline): Pathogenic/Likely pathogenic. Review status: criteria provided, multiple submitters, no conflicts (2 of 4 stars). 3 submissions from 3 submitters: Pathogenic (1); Likely pathogenic (2). Last evaluated 2024-02-05.

Conditions:
Nemaline myopathy 2 (NEM2). Also called: Nemaline myopathy 2, autosomal recessive. Identifiers: MedGen C1850569, MONDO:0009725, OMIM 256030.
Arthrogryposis multiplex congenita 6. Identifiers: MedGen C5543431, MONDO:0030281, OMIM 619334.

Submissions (3):

Baylor Genetics
Classification: Likely pathogenic for Arthrogryposis multiplex congenita 6. Last evaluated: 2024-02-05. Review status: criteria provided, single submitter. Criteria: ACMG Guidelines, 2015. Collection method: clinical testing. Allele origin: unknown.

Labcorp Genetics (formerly Invitae), Labcorp
Classification: Pathogenic for Nemaline myopathy 2. Last evaluated: 2019-05-10. Review status: criteria provided, single submitter. Criteria: Invitae Variant Classification Sherloc (09022015). Collection method: clinical testing. Allele origin: germline.
Comment: This sequence change creates a premature translational stop signal (p.Asp1129Thrfs*55) in the NEB gene. It is expected to result in an absent or disrupted protein product. This variant is not present in population databases (ExAC no frequency). For these reasons, this variant has been classified as Pathogenic. Loss-of-function variants in NEB are known to be pathogenic (PMID: 25205138). This variant has not been reported in the literature in individuals with NEB-related conditions.

Juno Genomics, Hangzhou Juno Genomics, Inc
Classification: Likely pathogenic for Nemaline myopathy 2; Arthrogryposis multiplex congenita 6. Review status: criteria provided, single submitter. Criteria: ACMG Guidelines, 2015. Collection method: clinical testing. Allele origin: germline.
Comment: Null variant in a gene where loss of function (LOF) is a known mechanism of disease.;Absent from controls (or at extremely low frequency if recessive) in Genome Aggregation Database.

Literature cited by the submitters: PubMed 25205138 (cited by Labcorp Genetics (formerly Invitae), Labcorp).